The following is an entry in ClinVar:

NM_052813.5(CARD9):c.1315T>G (p.Ser439Ala)

Gene: CARD9 (caspase recruitment domain family member 9; minus strand). Cytogenetic location: 9q34.3.
Variant type: single nucleotide variant.
Coding change: c.1315T>G on transcript NM_052813.5 (MANE Select); coding-DNA position 1315, T replaced by G.
Protein change: p.Ser439Ala; replaces serine 439 with alanine.
Molecular consequence: missense variant.
Genome position (GRCh38, 1-based): chr9:136,366,842, A>C on the plus strand (T>G on the coding strand, the complement: CARD9 is on the minus strand). VCF-style: chr9-136366842-A-C. GRCh37 (hg19) VCF-style: chr9-139261294-A-C.
Other names: c.1315T>G, p.Ser439Ala (NM_052814.4); short protein forms S439A.
Identifiers: ClinVar variation 2094707 (VCV002094707.4), dbSNP rs753366983, ClinGen allele CA375542148.

ClinVar aggregate classification (germline): Uncertain significance (1 of 4 stars; one submission).

Conditions:
Predisposition to invasive fungal disease due to CARD9 deficiency (IMD103). Also called: Candidiasis, familial, 2, autosomal recessive; IMMUNODEFICIENCY 103, SUSCEPTIBILITY TO FUNGAL INFECTIONS; CARD9 IMMUNODEFICIENCY. Identifiers: Orphanet 457088, MedGen C1859353, MONDO:0008905, OMIM 212050.

gnomAD v4.1: 18 of 1,612,966 alleles (0.0011%); highest among the groups gnomAD compares: Non-Finnish European, 0.0015%; no homozygotes.

Submission:

Labcorp Genetics (formerly Invitae), Labcorp
Classification: Uncertain significance for Predisposition to invasive fungal disease due to CARD9 deficiency. Last evaluated: 2022-04-28. Review status: criteria provided, single submitter. Criteria: Invitae Variant Classification Sherloc (09022015). Collection method: clinical testing. Allele origin: germline.
Comment: This variant has not been reported in the literature in individuals affected with CARD9-related conditions. Algorithms developed to predict the effect of missense changes on protein structure and function are either unavailable or do not agree on the potential impact of this missense change (SIFT: "Deleterious"; PolyPhen-2: "Benign"; Align-GVGD: "Class C0"). In summary, the available evidence is currently insufficient to determine the role of this variant in disease. Therefore, it has been classified as a Variant of Uncertain Significance. This variant is not present in population databases (gnomAD no frequency). This sequence change replaces serine, which is neutral and polar, with alanine, which is neutral and non-polar, at codon 439 of the CARD9 protein (p.Ser439Ala).